The following is an entry in ClinVar:

ClinVar aggregate classification (germline): Pathogenic (1 of 4 stars; one submission).

Submission:

Labcorp Genetics (formerly Invitae), Labcorp
Classification: Pathogenic. Last evaluated: 2024-07-01. Review status: criteria provided, single submitter. Criteria: Invitae Variant Classification Sherloc (09022015). Collection method: clinical testing. Allele origin: germline.
Comment: This sequence change creates a premature translational stop signal (p.Ile591Leufs*55) in the CEP152 gene. It is expected to result in an absent or disrupted protein product. Loss-of-function variants in CEP152 are known to be pathogenic (PMID: 21131973). This variant is not present in population databases (gnomAD no frequency). This variant has not been reported in the literature in individuals affected with CEP152-related conditions. For these reasons, this variant has been classified as Pathogenic.

Literature cited by the submitters: PubMed 21131973.

NM_001194998.2(CEP152):c.1771del (p.Ile591fs)

Gene: CEP152 (centrosomal protein 152; minus strand). Cytogenetic location: 15q21.1.
Variant type: Deletion.
Coding change: c.1771del on transcript NM_001194998.2 (MANE Select); coding-DNA position 1771, one base deleted (A; older notation c.1771delA).
Protein change: p.Ile591fs; shifts the reading frame from isoleucine 591.
Molecular consequence: frameshift variant.
Genome position (GRCh38, 1-based): chr15:48,772,498, T deleted on the plus strand (A on the coding strand, the reverse complement: CEP152 is on the minus strand). VCF-style (leftmost placement, unchanged base first): chr15-48772497-AT-A. GRCh37 (hg19) VCF-style: chr15-49064694-AT-A.
Other names: c.1771del, p.Ile591fs (NM_014985.4); short protein forms I591fs.
Identifiers: ClinVar variation 3611895 (VCV003611895.2).